The following is an entry in ClinVar:

NM_000436.4(OXCT1):c.1419+1G>C

Gene: OXCT1 (3-oxoacid CoA-transferase 1; minus strand). Cytogenetic location: 5p13.1.
Variant type: single nucleotide variant.
Coding change: c.1419+1G>C on transcript NM_000436.4 (MANE Select); the canonical splice donor site of the intron after coding-DNA position 1419, G replaced by C.
Molecular consequence: splice donor variant.
Genome position (GRCh38, 1-based): chr5:41,749,526, C>G on the plus strand (G>C on the coding strand, the complement: OXCT1 is on the minus strand). VCF-style: chr5-41749526-C-G. GRCh37 (hg19) VCF-style: chr5-41749628-C-G.
Other names: c.1413+1G>C (NM_001364301.2); c.1329+1G>C (NM_001364302.2); c.1440+1G>C (NM_001364299.2, NM_001364300.2); c.861+1G>C (NM_001364303.2).
Identifiers: ClinVar variation 1705309 (VCV001705309.1), dbSNP rs2478312896, ClinGen allele CA359686007.
Genomic context (GRCh38, chr5:41,749,526, plus strand): 5'-AACAAAACTTTCTAAAAATGCTTACTTAAAACATGGTAATAGTAGAAAAAGCACTTTTTA[C>G]CTTTTCAGTAATAATGCGGTTGACACATTGCTTTCCAGTCAATGGTAATGTACATTTCTC-3'

ClinVar aggregate classification (germline): Pathogenic (1 of 4 stars; one submission).

Conditions:
Succinyl-CoA acetoacetate transferase deficiency (SCOTD). Also called: Succinyl CoA:3-oxoacid CoA transferase deficiency; SCOT DEFICIENCY; SUCCINYL-CoA:3-KETOACID CoA-TRANSFERASE DEFICIENCY; KETOACIDOSIS DUE TO SCOT DEFICIENCY; 3-Oxoacid CoA Transferase Deficiency. Identifiers: Orphanet 832, MedGen C0342792, MONDO:0009492, OMIM 245050.

Submission:

3billion
Classification: Pathogenic for Succinyl-CoA acetoacetate transferase deficiency. Last evaluated: 2022-09-01. Review status: criteria provided, single submitter. Criteria: ACMG Guidelines, 2015. Collection method: clinical testing. Allele origin: germline. Affected: yes. Observed: 1 homozygote.
Comment: The variant is not observed in the gnomAD v2.1.1 dataset. The homozygous variant on the canonical splice site is predicted to alter splicing and result in a loss or disruption of normal protein function. Multiple pathogenic loss-of-function variants are reported downstream of the variant. Therefore, this variant is classified as Pathogenic according to the recommendation of ACMG/AMP guideline.